The following is an entry in ClinVar:

NM_173660.5(DOK7):c.1411C>T (p.Pro471Ser)

Gene: DOK7 (docking protein 7; plus strand). Cytogenetic location: 4p16.3.
Variant type: single nucleotide variant.
Coding change: c.1411C>T on transcript NM_173660.5 (MANE Select); coding-DNA position 1411, C replaced by T.
Protein change: p.Pro471Ser; replaces proline 471 with serine.
Molecular consequence: missense variant. On other transcripts: 3 prime UTR variant (1).
Genome position (GRCh38, 1-based): chr4:3,493,397, C>T. VCF-style: chr4-3493397-C-T. GRCh37 (hg19) VCF-style: chr4-3495124-C-T.
Other names: c.*632C>T (NM_001164673.2); c.481C>T, p.Pro161Ser (NM_001256896.2); c.1411C>T, p.Pro471Ser (NM_001301071.2); c.979C>T, p.Pro327Ser (NM_001363811.2); short protein forms P471S, P327S, P161S.
Identifiers: ClinVar variation 643976 (VCV000643976.8), dbSNP rs764872565, ClinGen allele CA2829509.

ClinVar aggregate classification (germline): Uncertain significance (1 of 4 stars; one submission).

Conditions:
Fetal akinesia deformation sequence 1 (FADS1). Also called: Fetal akinesia sequence; Pena-Shokeir syndrome type I. Identifiers: Orphanet 994, MedGen C1276035, MONDO:0100101, OMIM 208150, HP:0001989.
Congenital myasthenic syndrome 10. Also called: Myasthenia, limb-girdle, familial. Identifiers: Orphanet 590, MedGen C1850792, MONDO:0009690, OMIM 254300.

Allele frequency attached by ClinVar (database versions not stated): gnomAD 0.00001; TOPMed 0.00001; ExAC 0.00002; gnomAD exomes 0.00003.
gnomAD v4.1: 18 of 1,594,240 alleles (0.0011%); highest among the groups gnomAD compares: South Asian, 0.009%; no homozygotes.

Submission:

Labcorp Genetics (formerly Invitae), Labcorp
Classification: Uncertain significance for Congenital myasthenic syndrome 10; Fetal akinesia deformation sequence 1. Last evaluated: 2021-08-31. Review status: criteria provided, single submitter. Criteria: Invitae Variant Classification Sherloc (09022015). Collection method: clinical testing. Allele origin: germline.
Comment: This sequence change replaces proline with serine at codon 471 of the DOK7 protein (p.Pro471Ser). The proline residue is moderately conserved and there is a moderate physicochemical difference between proline and serine. This variant is present in population databases (rs764872565, ExAC 0.003%). This variant has not been reported in the literature in individuals affected with DOK7-related conditions. Algorithms developed to predict the effect of missense changes on protein structure and function output the following: SIFT: "Tolerated"; PolyPhen-2: "Benign"; Align-GVGD: "Class C0". The serine amino acid residue is found in multiple mammalian species, which suggests that this missense change does not adversely affect protein function. In summary, the available evidence is currently insufficient to determine the role of this variant in disease. Therefore, it has been classified as a Variant of Uncertain Significance.